The following is an entry in ClinVar:

ClinVar aggregate classification (germline): Uncertain significance. Review status: criteria provided, multiple submitters, no conflicts (2 of 4 stars). 6 submissions from 6 submitters: Uncertain significance (5). 1 of the submissions does not count toward it. Last evaluated 2025-01-13.

Conditions:
BBS4-related disorder. Also called: BBS4-related condition.
Inborn genetic diseases. Identifiers: MedGen C0950123, MeSH D030342.
Bardet-Biedl syndrome (BBS). Identifiers: Orphanet 110, MedGen C0752166, MONDO:0015229.
Bardet-Biedl syndrome 4 (BBS4). Identifiers: Orphanet 110, MedGen C2936864, MONDO:0014433, OMIM 615982.

Allele frequency attached by ClinVar (database versions not stated): ExAC 0.00001; gnomAD 0.00001; gnomAD exomes 0.00001; TOPMed 0.00001.
gnomAD v4.1: 18 of 1,613,426 alleles (0.0011%); highest among the groups gnomAD compares: Non-Finnish European, 0.0015%; no homozygotes.

Submissions (6):

Labcorp Genetics (formerly Invitae), Labcorp
Classification: Uncertain significance for Bardet-Biedl syndrome. Last evaluated: 2025-01-13. Review status: criteria provided, single submitter. Criteria: Invitae Variant Classification Sherloc (09022015). Collection method: clinical testing. Allele origin: germline.
Comment: This sequence change replaces valine, which is neutral and non-polar, with isoleucine, which is neutral and non-polar, at codon 72 of the BBS4 protein (p.Val72Ile). This variant is present in population databases (rs749578199, gnomAD 0.003%). This variant has not been reported in the literature in individuals affected with BBS4-related conditions. ClinVar contains an entry for this variant (Variation ID: 1301281). Invitae Evidence Modeling of protein sequence and biophysical properties (such as structural, functional, and spatial information, amino acid conservation, physicochemical variation, residue mobility, and thermodynamic stability) indicates that this missense variant is not expected to disrupt BBS4 protein function with a negative predictive value of 80%. In summary, the available evidence is currently insufficient to determine the role of this variant in disease. Therefore, it has been classified as a Variant of Uncertain Significance.

Ambry Genetics
Classification: Uncertain significance for Inborn genetic diseases. Last evaluated: 2024-04-22. Review status: criteria provided, single submitter. Criteria: Ambry Variant Classification Scheme 2023. Collection method: clinical testing. Allele origin: germline.

Fulgent Genetics
Classification: Uncertain significance for Bardet-Biedl syndrome 4. Last evaluated: 2024-04-22. Review status: criteria provided, single submitter. Criteria: ACMG Guidelines, 2015. Collection method: clinical testing. Allele origin: germline.

Blueprint Genetics
Classification: Uncertain significance. Last evaluated: 2022-11-18. Review status: criteria provided, single submitter. Criteria: ACMG Guidelines, 2015. Collection method: clinical testing. Allele origin: germline.

GeneDx
Classification: Uncertain significance. Last evaluated: 2021-09-22. Review status: criteria provided, single submitter. Criteria: GeneDx Variant Classification Process June 2021. Collection method: clinical testing. Allele origin: germline. Affected: yes.
Comment: Not observed at significant frequency in large population cohorts (Lek et al., 2016); In silico analysis supports that this missense variant does not alter protein structure/function; Has not been previously published as pathogenic or benign to our knowledge

PreventionGenetics, part of Exact Sciences
Classification: Uncertain significance for BBS4-related condition. Last evaluated: 2024-09-11. Review status: no assertion criteria provided. Collection method: clinical testing. Allele origin: germline. Not counted in ClinVar's aggregate classification.
Comment: The BBS4 c.214G>A variant is predicted to result in the amino acid substitution p.Val72Ile. To our knowledge, this variant has not been reported in the literature. This variant is reported in 0.0026% of alleles in individuals of European (Non-Finnish) descent in gnomAD. At this time, the clinical significance of this variant is uncertain due to the absence of conclusive functional and genetic evidence.

NM_033028.5(BBS4):c.214G>A (p.Val72Ile)

Gene: BBS4 (Bardet-Biedl syndrome 4; plus strand). Cytogenetic location: 15q24.1.
Variant type: single nucleotide variant.
Coding change: c.214G>A on transcript NM_033028.5 (MANE Select); coding-DNA position 214, G replaced by A.
Protein change: p.Val72Ile; replaces valine 72 with isoleucine.
Molecular consequence: missense variant. On other transcripts: 5 prime UTR variant (1), non-coding transcript variant (2).
Genome position (GRCh38, 1-based): chr15:72,712,301, G>A. VCF-style: chr15-72712301-G-A. GRCh37 (hg19) VCF-style: chr15-73004642-G-A.
Other names: c.214G>A (NM_033028.3); c.-308G>A (NM_001252678.2); c.214G>A, p.Val72Ile (NM_001320665.2); short protein forms V72I.
Identifiers: ClinVar variation 1301281 (VCV001301281.10), dbSNP rs749578199, ClinGen allele CA7646538.